The following is an entry in ClinVar:

NM_000051.4(ATM):c.3943G>T (p.Ala1315Ser)

Gene: ATM (ATM serine/threonine kinase; plus strand). Cytogenetic location: 11q22.3.
Variant type: single nucleotide variant.
Coding change: c.3943G>T on transcript NM_000051.4 (MANE Select); coding-DNA position 3943, G replaced by T.
Protein change: p.Ala1315Ser; replaces alanine 1315 with serine.
Molecular consequence: missense variant.
Genome position (GRCh38, 1-based): chr11:108,284,423, G>T. VCF-style: chr11-108284423-G-T. GRCh37 (hg19) VCF-style: chr11-108155150-G-T.
Other names: c.3943G>T, p.Ala1315Ser (NM_001351834.2); short protein forms A1315S.
Identifiers: ClinVar variation 420871 (VCV000420871.11), dbSNP rs1064794757, ClinGen allele CA16619169.
Genomic context (GRCh38, chr11:108,284,423, plus strand): 5'-CTTCCTTATTTTGCCTATGAGGGTACCAGAGACAGTGGGATGGCACAGCAAAGAGAGACT[G>T]CTACCAAGGTCTATGATATGCTTAAAAGTGAAAACTTATTGGGAAAACAGGTATGGCTTC-3'
Protein context (NP_000042.3, residues 1305-1325): DSGMAQQRET[Ala1315Ser]TKVYDMLKSE

ClinVar aggregate classification (germline): Uncertain significance. Review status: criteria provided, multiple submitters, no conflicts (2 of 4 stars). 3 submissions from 3 submitters: Uncertain significance (3). Last evaluated 2025-10-30.

Conditions:
Hereditary cancer-predisposing syndrome. Also called: Hereditary neoplastic syndrome; Hereditary Cancer Syndrome; Neoplastic Syndromes, Hereditary; Tumor predisposition. Identifiers: Orphanet 140162, MedGen C0027672, MeSH D009386, MONDO:0015356.
Ataxia-telangiectasia syndrome (AT). Also called: Ataxia-telangiectasia, complementation group D; Cerebello-oculocutaneous telangiectasia; Immunodeficiency with ataxia telangiectasia; ATAXIA-TELANGIECTASIA, COMPLEMENTATION GROUP A; ATAXIA-TELANGIECTASIA, FRESNO VARIANT; LOUIS-BAR SYNDROME. Identifiers: Orphanet 100, MedGen C0004135, MONDO:0008840, OMIM 208900.

Submissions (3):

Labcorp Genetics (formerly Invitae), Labcorp
Classification: Uncertain significance for Ataxia-telangiectasia syndrome. Last evaluated: 2025-10-30. Review status: criteria provided, single submitter. Criteria: Invitae Variant Classification Sherloc (09022015). Collection method: clinical testing. Allele origin: germline.
Comment: This sequence change replaces alanine, which is neutral and non-polar, with serine, which is neutral and polar, at codon 1315 of the ATM protein (p.Ala1315Ser). This variant is not present in population databases (gnomAD no frequency). This variant has not been reported in the literature in individuals affected with ATM-related conditions. ClinVar contains an entry for this variant (Variation ID: 420871). Invitae Evidence Modeling of protein sequence and biophysical properties (such as structural, functional, and spatial information, amino acid conservation, physicochemical variation, residue mobility, and thermodynamic stability) has been performed for this missense variant. However, the output from this modeling did not meet the statistical confidence thresholds required to predict the impact of this variant on ATM protein function. In summary, the available evidence is currently insufficient to determine the role of this variant in disease. Therefore, it has been classified as a Variant of Uncertain Significance.

Ambry Genetics
Classification: Uncertain significance for Hereditary cancer-predisposing syndrome. Last evaluated: 2023-12-04. Review status: criteria provided, single submitter. Criteria: Ambry Variant Classification Scheme 2023. Collection method: clinical testing. Allele origin: germline.
Comment: The p.A1315S variant (also known as c.3943G>T), located in coding exon 25 of the ATM gene, results from a G to T substitution at nucleotide position 3943. The alanine at codon 1315 is replaced by serine, an amino acid with similar properties. This amino acid position is conserved. In addition, the in silico prediction for this alteration is inconclusive. Since supporting evidence is limited at this time, the clinical significance of this alteration remains unclear.

GeneDx
Classification: Uncertain significance. Last evaluated: 2016-07-20. Review status: criteria provided, single submitter. Criteria: GeneDx Variant Classification (06012015). Collection method: clinical testing. Allele origin: germline. Affected: yes.
Comment: This variant is denoted ATM c.3943G>T at the cDNA level, p.Ala1315Ser (A1315S) at the protein level, and results in the change of an Alanine to a Serine (GCT>TCT). This variant has not, to our knowledge, been published in the literature as a germline pathogenic or benign variant. However, it has been reported as a somatic variant in a prostate tumor (Wong 2015). ATM Ala1315Ser was not observed in approximately 6,500 individuals of European and African American ancestry in the NHLBI Exome Sequencing Project, suggesting it is not a common benign variant in these populations. Since Alanine and Serine differ in polarity, charge, size or other properties, this is considered a non-conservative amino acid substitution. ATM Ala1315Ser occurs at a position that is conserved across species and is not located in a known functional domain (Tavtigian 2009). In silico analyses are inconsistent regarding the effect this variant may have on protein structure and function. Based on currently available evidence, it is unclear whether ATM Ala1315Ser is a pathogenic or benign variant. We consider it to be a variant of uncertain significance.